The following is an entry in ClinVar:

ClinVar aggregate classification (germline): Likely benign (1 of 4 stars; one submission).

Conditions:
PKD1-related disorder. Also called: PKD1-related condition.

gnomAD v4.1: 62 of 1,610,498 alleles (0.0038%); highest among the groups gnomAD compares: African/African-American, 0.067%; no homozygotes.

Submission:

PreventionGenetics, part of Exact Sciences
Classification: Likely benign for PKD1-related condition. Last evaluated: 2026-09-14. Review status: criteria provided, single submitter. Criteria: ACMG Guidelines, 2015. Collection method: clinical testing. Allele origin: germline.
Comment: This variant is classified as likely benign based on ACMG/AMP sequence variant interpretation guidelines (Richards et al. 2015 PMID: 25741868, with internal and published modifications).

NM_001009944.3(PKD1):c.12004-36C>T

Gene: PKD1 (polycystin 1, transient receptor potential channel interacting; minus strand). Cytogenetic location: 16p13.3.
Variant type: single nucleotide variant.
Coding change: c.12004-36C>T on transcript NM_001009944.3 (MANE Select); 36 bases into the intron before coding-DNA position 12004, C replaced by T.
Molecular consequence: intron variant.
Genome position (GRCh38, 1-based): chr16:2,090,844, G>A on the plus strand (C>T on the coding strand, the complement: PKD1 is on the minus strand). VCF-style: chr16-2090844-G-A. GRCh37 (hg19) VCF-style: chr16-2140845-G-A.
Other names: c.12001-36C>T (NM_000296.4).
Identifiers: ClinVar variation 4982541 (VCV004982541.1).